The following is an entry in ClinVar:

NM_001330360.2(POLA1):c.1124C>T (p.Ser375Leu)

Gene: POLA1 (DNA polymerase alpha 1, catalytic subunit; plus strand). Cytogenetic location: Xp22.11.
Variant type: single nucleotide variant.
Coding change: c.1124C>T on transcript NM_001330360.2 (MANE Select); coding-DNA position 1124, C replaced by T.
Protein change: p.Ser375Leu; replaces serine 375 with leucine.
Molecular consequence: missense variant. On other transcripts: non-coding transcript variant (2).
Genome position (GRCh38, 1-based): chrX:24,723,191, C>T. VCF-style: chrX-24723191-C-T. GRCh37 (hg19) VCF-style: chrX-24741308-C-T.
Other names: c.1124C>T, p.Ser375Leu (NM_001378303.1); c.1106C>T, p.Ser369Leu (NM_016937.4); short protein forms S369L, S375L.
Identifiers: ClinVar variation 2076624 (VCV002076624.4), dbSNP rs776330782, ClinGen allele CA10372908.

ClinVar aggregate classification (germline): Uncertain significance (1 of 4 stars; one submission).

Allele frequency attached by ClinVar (database versions not stated): ExAC 0.00001; TOPMed 0.00004; gnomAD 0.00005; gnomAD exomes 0.00001.
gnomAD v4.1: 12 of 1,205,653 alleles (0.001%); highest among the groups gnomAD compares: Admixed American, 0.02%; no homozygotes.

Submission:

Labcorp Genetics (formerly Invitae), Labcorp
Classification: Uncertain significance. Last evaluated: 2022-07-02. Review status: criteria provided, single submitter. Criteria: Invitae Variant Classification Sherloc (09022015). Collection method: clinical testing. Allele origin: germline.
Comment: In summary, the available evidence is currently insufficient to determine the role of this variant in disease. Therefore, it has been classified as a Variant of Uncertain Significance. Algorithms developed to predict the effect of missense changes on protein structure and function output the following: SIFT: "Deleterious"; PolyPhen-2: "Benign"; Align-GVGD: "Class C0". The leucine amino acid residue is found in multiple mammalian species, which suggests that this missense change does not adversely affect protein function. This variant has not been reported in the literature in individuals affected with POLA1-related conditions. This variant is present in population databases (rs776330782, gnomAD 0.01%). This sequence change replaces serine, which is neutral and polar, with leucine, which is neutral and non-polar, at codon 369 of the POLA1 protein (p.Ser369Leu).